The following is an entry in ClinVar:

ClinVar aggregate classification (germline): Uncertain significance. Review status: criteria provided, multiple submitters, no conflicts (2 of 4 stars). 4 submissions from 3 submitters: Uncertain significance (4). Last evaluated 2026-01-30.

Conditions:
Leigh syndrome (NULS). Also called: Leigh's necrotizing encephalopathy; Leigh's disease; Leigh Syndrome (mtDNA deletion); Leigh's syndrome; Subacute necrotizing encephalopathy; Necrotizing encephalopathy infantile subacute of Leigh. Identifiers: Orphanet 506, MedGen C2931891, MONDO:0009723, OMIM 256000.
Mitochondrial complex I deficiency, nuclear type 1. Also called: NADH-COENZYME Q REDUCTASE DEFICIENCY; MITOCHONDRIAL NADH DEHYDROGENASE COMPONENT OF COMPLEX I, DEFICIENCY OF. Identifiers: MedGen C6022305, MONDO:0100224, OMIM 252010.
Mitochondrial complex I deficiency, nuclear type 2. Also called: Mitochondrial complex 1 deficiency, nuclear type 2. Identifiers: MedGen C4748737, MONDO:0032606, OMIM 618222.

Allele frequency attached by ClinVar (database versions not stated): gnomAD exomes below 0.00001 and 0.00002; gnomAD 0.00001; TOPMed 0.00001.
gnomAD v4.1: 13 of 1,613,960 alleles (0.00081%); highest among the groups gnomAD compares: South Asian, 0.0011%; no homozygotes.

Submissions (4):

3billion
Classification: Uncertain significance for Mitochondrial complex I deficiency, nuclear type 2. Last evaluated: 2026-01-30. Review status: criteria provided, single submitter. Criteria: ACMG Guidelines, 2015. Collection method: clinical testing. Allele origin: germline. Affected: yes.
Comment: The variant is observed at an extremely low frequency in the gnomAD v4.1.0 dataset (total allele frequency: <0.001%). Predicted Consequence/Location: Missense variant In silico tool predictions suggest damaging effect of the variant on gene or gene product [REVEL: 0.82 (>=0.6, sensitivity 0.68 and specificity 0.92)]. The variant has been reported as of uncertain significance (ClinVar ID: VCV000884038). Therefore, this variant is classified as VUS according to the recommendation of ACMG/AMP guideline.

Blueprint Genetics
Classification: Uncertain significance. Last evaluated: 2024-11-24. Review status: criteria provided, single submitter. Criteria: ACMG Guidelines, 2015. Collection method: clinical testing. Allele origin: germline.

Illumina Laboratory Services, Illumina
Classification: Uncertain significance for Leigh syndrome. Last evaluated: 2018-01-13. Review status: criteria provided, single submitter. Criteria: ICSL Variant Classification Criteria 13 December 2019. Collection method: clinical testing. Allele origin: germline.

Illumina Laboratory Services, Illumina
Classification: Uncertain significance for Mitochondrial complex I deficiency, nuclear type 1. Last evaluated: 2018-01-13. Review status: criteria provided, single submitter. Criteria: ICSL Variant Classification Criteria 13 December 2019. Collection method: clinical testing. Allele origin: germline.

NM_002496.4(NDUFS8):c.574G>A (p.Gly192Arg)

Gene: NDUFS8 (NADH:ubiquinone oxidoreductase core subunit S8; plus strand). Cytogenetic location: 11q13.2.
Variant type: single nucleotide variant.
Coding change: c.574G>A on transcript NM_002496.4 (MANE Select); coding-DNA position 574, G replaced by A.
Protein change: p.Gly192Arg; replaces glycine 192 with arginine.
Molecular consequence: missense variant.
Genome position (GRCh38, 1-based): chr11:68,036,534, G>A. VCF-style: chr11-68036534-G-A. GRCh37 (hg19) VCF-style: chr11-67804001-G-A.
Other names: short protein forms G192R.
Identifiers: ClinVar variation 884038 (VCV000884038.6), dbSNP rs1371377502, ClinGen allele CA381570056.